The following is an entry in ClinVar:

NM_000490.5(AVP):c.262G>T (p.Gly88Cys)

Gene: AVP (arginine vasopressin; minus strand). Cytogenetic location: 20p13.
Variant type: single nucleotide variant.
Coding change: c.262G>T on transcript NM_000490.5 (MANE Select); coding-DNA position 262, G replaced by T.
Protein change: p.Gly88Cys; replaces glycine 88 with cysteine.
Molecular consequence: missense variant.
Genome position (GRCh38, 1-based): chr20:3,083,037, C>A on the plus strand (G>T on the coding strand, the complement: AVP is on the minus strand). VCF-style: chr20-3083037-C-A. GRCh37 (hg19) VCF-style: chr20-3063683-C-A.
Other names: short protein forms G88C.
Identifiers: ClinVar variation 1700421 (VCV001700421.4), dbSNP rs121964882, ClinGen allele CA408061590.

ClinVar aggregate classification (germline): Conflicting classifications of pathogenicity. Review status: criteria provided, conflicting classifications (1 of 4 stars). 2 submissions from 2 submitters: Likely pathogenic (1); Uncertain significance (1). Last evaluated 2024-04-06.

Conditions:
Neurohypophyseal diabetes insipidus. Also called: Diabetes Insipidus, Neurogenic; Hereditary arginine vasopressin deficiency; DIABETES INSIPIDUS, PRIMARY CENTRAL. Identifiers: Orphanet 178029, Orphanet 30925, MedGen C0342394, MONDO:0007450, OMIM 125700.

Submissions (2):

Fulgent Genetics
Classification: Likely pathogenic for Neurohypophyseal diabetes insipidus. Last evaluated: 2024-04-06. Review status: criteria provided, single submitter. Criteria: ACMG Guidelines, 2015. Collection method: clinical testing. Allele origin: germline.

GeneDx
Classification: Uncertain significance. Last evaluated: 2023-08-01. Review status: criteria provided, single submitter. Criteria: GeneDx Variant Classification Process June 2021. Collection method: clinical testing. Allele origin: germline. Affected: yes.
Comment: Not observed at significant frequency in large population cohorts (gnomAD); In silico analysis supports that this missense variant has a deleterious effect on protein structure/function; This variant is associated with the following publications: (PMID: 32052034)